The following is an entry in ClinVar:

ClinVar aggregate classification (germline): Likely pathogenic (1 of 4 stars; one submission).

Conditions:
Cystic fibrosis (CF). Also called: MUCOVISCIDOSIS. Identifiers: Orphanet 586, MedGen C0010674, MONDO:0009061, OMIM 219700. Disease mechanism: loss of function.

Submission:

Myriad Genetics, Inc.
Classification: Likely pathogenic for Cystic fibrosis. Last evaluated: 2019-01-06. Review status: criteria provided, single submitter. Criteria: Myriad Women's Health Autosomal Recessive and X-Linked Classification Criteria (2019). Collection method: clinical testing. Allele origin: unknown.
Comment: NM_000492.3(CFTR):c.751A>T(R251*) is expected to be pathogenic in the context of cystic fibrosis. This variant is predicted to lead to an abnormal or absent protein product due to the creation of a premature termination codon in CFTR, a gene where loss-of-function variants are known to be pathogenic. Please note: this variant was assessed in the context of healthy population screening.

NM_000492.4(CFTR):c.751A>T (p.Arg251Ter)

Gene: CFTR (CF transmembrane conductance regulator; plus strand). Cytogenetic location: 7q31.2.
Variant type: single nucleotide variant.
Coding change: c.751A>T on transcript NM_000492.4 (MANE Select); coding-DNA position 751, A replaced by T.
Protein change: p.Arg251Ter; replaces arginine 251 with a stop codon.
Molecular consequence: nonsense.
Genome position (GRCh38, 1-based): chr7:117,536,555, A>T. VCF-style: chr7-117536555-A-T. GRCh37 (hg19) VCF-style: chr7-117176609-A-T.
Other names: short protein forms R251*.
Identifiers: ClinVar variation 984343 (VCV000984343.3), dbSNP rs1798959540, ClinGen allele CA368977332.